The following is an entry in ClinVar:

NM_004360.5(CDH1):c.817G>T (p.Glu273Ter)

Gene: CDH1 (cadherin 1; plus strand). Cytogenetic location: 16q22.1.
Variant type: single nucleotide variant.
Coding change: c.817G>T on transcript NM_004360.5 (MANE Select); coding-DNA position 817, G replaced by T.
Protein change: p.Glu273Ter; replaces glutamic acid 273 with a stop codon.
Molecular consequence: nonsense. On other transcripts: 5 prime UTR variant (2).
Genome position (GRCh38, 1-based): chr16:68,810,326, G>T. VCF-style: chr16-68810326-G-T. GRCh37 (hg19) VCF-style: chr16-68844229-G-T.
Other names: c.817G>T, p.Glu273Ter (NM_001317184.2); c.-799G>T (NM_001317185.2); c.-1003G>T (NM_001317186.2); short protein forms E273*.
Identifiers: ClinVar variation 2583222 (VCV002583222.2), dbSNP rs2543919389, ClinGen allele CA396458944.

ClinVar aggregate classification (germline): Pathogenic (1 of 4 stars; one submission).

Conditions:
Hereditary diffuse gastric adenocarcinoma (HDGC). Also called: DIFFUSE GASTRIC AND LOBULAR BREAST CANCER SYNDROME. Identifiers: Orphanet 26106, MedGen C1708349, MONDO:0007648, OMIM 137215.

Allele frequency attached by ClinVar (database versions not stated): gnomAD exomes below 0.00001.
gnomAD v4.1: 1 of 1,614,080 alleles (0.000062%); highest among the groups gnomAD compares: Non-Finnish European, 0.000085%; no homozygotes.

Submission:

Myriad Genetics, Inc.
Classification: Pathogenic for Hereditary diffuse gastric adenocarcinoma. Last evaluated: 2023-06-12. Review status: criteria provided, single submitter. Criteria: Myriad Autosomal Dominant, Autosomal Recessive and X-Linked Classification Criteria (2023). Collection method: clinical testing. Allele origin: unknown.
Comment: This variant is considered pathogenic. This variant creates a termination codon and is predicted to result in premature protein truncation.